The following is an entry in ClinVar:

ClinVar aggregate classification (germline): Pathogenic (1 of 4 stars; one submission).

Submission:

Labcorp Genetics (formerly Invitae), Labcorp
Classification: Pathogenic. Last evaluated: 2023-10-09. Review status: criteria provided, single submitter. Criteria: Invitae Variant Classification Sherloc (09022015). Collection method: clinical testing. Allele origin: germline.
Comment: This sequence change creates a premature translational stop signal (p.Gln461*) in the ATP8B1 gene. It is expected to result in an absent or disrupted protein product. Loss-of-function variants in ATP8B1 are known to be pathogenic (PMID: 15239083, 22525741). This variant is not present in population databases (gnomAD no frequency). This variant has not been reported in the literature in individuals affected with ATP8B1-related conditions. For these reasons, this variant has been classified as Pathogenic.

Literature cited by the submitters: PubMed 15239083; PubMed 22525741.

NM_001374385.1(ATP8B1):c.1381C>T (p.Gln461Ter)

Gene: ATP8B1 (ATPase phospholipid transporting 8B1; minus strand). Cytogenetic location: 18q21.31.
Variant type: single nucleotide variant.
Coding change: c.1381C>T on transcript NM_001374385.1 (MANE Select); coding-DNA position 1381, C replaced by T.
Protein change: p.Gln461Ter; replaces glutamine 461 with a stop codon.
Molecular consequence: nonsense.
Genome position (GRCh38, 1-based): chr18:57,688,347, G>A on the plus strand (C>T on the coding strand, the complement: ATP8B1 is on the minus strand). VCF-style: chr18-57688347-G-A. GRCh37 (hg19) VCF-style: chr18-55355579-G-A.
Other names: c.1231C>T, p.Gln411Ter (NM_001374386.1); c.1381C>T, p.Gln461Ter (NM_005603.6); short protein forms Q411*, Q461*.
Identifiers: ClinVar variation 2767042 (VCV002767042.3), dbSNP rs2511746082, ClinGen allele CA402537560.
Genomic context (GRCh38, chr18:57,688,347, plus strand): 5'-GCTTCCACTTACCATATATCTGCCCGTTGATACAGCACTTTTTAAAGGTCATGATATTTT[G>A]TGTGAGTGTCCCCGTCTTATCAGAGAAGATATAATGGATCTGCCCGAGCTGTTCATTGAG-3'